The following is an entry in ClinVar:

ClinVar aggregate classification (germline): Pathogenic (1 of 4 stars; one submission).

Submission:

GeneDx
Classification: Pathogenic. Last evaluated: 2016-02-27. Review status: criteria provided, single submitter. Criteria: GeneDx Variant Classification (06012015). Collection method: clinical testing. Allele origin: germline. Affected: yes.
Comment: The c.3499_3500delAG pathogenic variant in the KAT6B gene has not been reported previously as a pathogenic variant nor as a benign variant, to our knowledge. The c.3499_3500delAG variant causes a frameshift starting with codon Arginine 1167, changes this amino acid to an Alanine residue, and creates a premature Stop codon at position 10 of the new reading frame, denoted p.Arg1167AlafsX10. This variant is predicted to cause loss of normal protein function either through protein truncation or nonsense-mediated mRNA decay. The c.3499_3500delAG variant was not observed in approximately 6500 individuals of European and African American ancestry in the NHLBI Exome Sequencing Project, indicating it is not a common benign variant in these populations. We interpret c.3499_3500delAG as a pathogenic variant.

NM_012330.4(KAT6B):c.3499_3500del (p.Arg1167fs)

Gene: KAT6B (lysine acetyltransferase 6B; plus strand). Cytogenetic location: 10q22.2.
Variant type: Microsatellite.
Coding change: c.3499_3500del on transcript NM_012330.4 (MANE Select); coding-DNA positions 3499 to 3500, 2 bases deleted (AG; older notation c.3499_3500delAG).
Protein change: p.Arg1167fs; shifts the reading frame from arginine 1167.
Molecular consequence: frameshift variant.
Genome position (GRCh38, 1-based): chr10:75,025,084-75,025,085, AG deleted; deleting any 2 consecutive bases within chr10:75,025,080-75,025,085 gives the same sequence; the c. name uses the placement nearest the transcript's 3' end. VCF-style (leftmost placement, unchanged base first): chr10-75025079-AAG-A. GRCh37 (hg19) VCF-style: chr10-76784837-AAG-A.
Other names: c.1414_1415del, p.Arg472fs (NM_001370134.1); c.1156_1157del, p.Arg386fs (NM_001370135.1); c.3499_3500del, p.Arg1167fs (NM_001370136.1, NM_001370137.1); c.2950_2951del, p.Arg984fs (NM_001370138.1, NM_001256468.2); c.2623_2624del, p.Arg875fs (NM_001370139.1, NM_001370140.1, NM_001370141.1 and 2 more transcripts); c.2434_2435del, p.Arg812fs (NM_001370143.1, NM_001370144.1); c.2461_2462del, p.Arg821fs (NM_001370132.1); c.1810_1811del, p.Arg604fs (NM_001370133.1); short protein forms R604fs, R821fs, R472fs, R812fs, R984fs, R1167fs, R386fs, R875fs.
Identifiers: ClinVar variation 280311 (VCV000280311.2), dbSNP rs886041540, ClinGen allele CA10603060.